The following is an entry in ClinVar:

NM_001365276.2(TNXB):c.12198G>A (p.Gly4066=)

Genes: TNXB (tenascin XB; minus strand), LOC106780803 (tenascin XB recombination region; plus strand). Cytogenetic location: 6p21.33.
Variant type: single nucleotide variant.
Coding change: c.12198G>A on transcript NM_001365276.2 (MANE Select); coding-DNA position 12198, G replaced by A.
Protein change: p.Gly4066=; no amino-acid change (glycine 4066 retained).
Molecular consequence: synonymous variant.
Genome position (GRCh38, 1-based): chr6:32,042,467, C>T on the plus strand (G>A on the coding strand, the complement: TNXB is on the minus strand). VCF-style: chr6-32042467-C-T. GRCh37 (hg19) VCF-style: chr6-32010244-C-T.
Other names: p.Gly4064=; c.12192G>A, p.Gly4064= (NM_019105.8); c.1485G>A, p.Gly495= (NM_032470.4).
Identifiers: ClinVar variation 1203334 (VCV001203334.6), dbSNP rs149810124, ClinGen allele CA3732849.

ClinVar aggregate classification (germline): Likely benign. Review status: criteria provided, multiple submitters, no conflicts (2 of 4 stars). 4 submissions from 4 submitters: Likely benign (4). Last evaluated 2025-10-06.

Allele frequency attached by ClinVar (database versions not stated): gnomAD exomes 0.00014 and 0.00048; ExAC 0.00058; 1000 Genomes Project 0.00100; 1000 Genomes Project 30x 0.00172; gnomAD 0.00177 and 0.00191; TOPMed 0.00199; ESP Exome Variant Server 0.00237.

Submissions (4):

Mayo Clinic Laboratories, Mayo Clinic
Classification: Likely benign. Last evaluated: 2025-10-06. Review status: criteria provided, single submitter. Criteria: ACMG Guidelines, 2015. Collection method: clinical testing. Allele origin: germline. Observed: 1 variant allele.
Comment: BS1, BP4, BP7

Blueprint Genetics
Classification: Likely benign. Last evaluated: 2023-12-01. Review status: criteria provided, single submitter. Criteria: ACMG Guidelines, 2015. Collection method: clinical testing. Allele origin: germline.

GeneDx
Classification: Likely benign. Last evaluated: 2019-11-29. Review status: criteria provided, single submitter. Criteria: GeneDx Variant Classification Process June 2021. Collection method: clinical testing. Allele origin: germline. Affected: yes.

Breakthrough Genomics
Classification: Likely benign. Review status: criteria provided, single submitter. Criteria: ACMG Guidelines, 2015. Collection method: not provided. Allele origin: germline. Inheritance: Autosomal recessive inheritance. Affected: yes.